The following is an entry in ClinVar:

NM_000829.4(GRIA4):c.2448C>T (p.Gly816=)

Gene: GRIA4 (glutamate ionotropic receptor AMPA type subunit 4; plus strand). Cytogenetic location: 11q22.3.
Variant type: single nucleotide variant.
Coding change: c.2448C>T on transcript NM_000829.4 (MANE Select); coding-DNA position 2448, C replaced by T.
Protein change: p.Gly816=; no amino-acid change (glycine 816 retained).
Molecular consequence: synonymous variant. On other transcripts: non-coding transcript variant (1).
Genome position (GRCh38, 1-based): chr11:105,974,348, C>T. VCF-style: chr11-105974348-C-T. GRCh37 (hg19) VCF-style: chr11-105845075-C-T.
Other names: NC_000011.9:g.105845075C>T; c.2448C>T, p.Gly816= (NM_001077243.3); c.2448C>T (NM_000829.3).
Identifiers: ClinVar variation 1701176 (VCV001701176.34), dbSNP rs138190986, ClinGen allele CA6258840.

ClinVar aggregate classification (germline): Likely benign. Review status: criteria provided, multiple submitters, no conflicts (2 of 4 stars). 3 submissions from 3 submitters: Likely benign (3). Last evaluated 2026-05-22.

Conditions:
GRIA4-related disorder. Also called: GRIA4-related condition.

Allele frequency attached by ClinVar (database versions not stated): 1000 Genomes Project 30x 0.00031; 1000 Genomes Project 0.00040; gnomAD 0.00140 and 0.00142; TOPMed 0.00144; gnomAD exomes 0.00173; ESP Exome Variant Server 0.00177; ExAC 0.00178.
gnomAD v4.1: 2,373 of 1,613,782 alleles (0.15%); highest among the groups gnomAD compares: Middle Eastern, 0.76%; 9 homozygotes.

Submissions (6):

PreventionGenetics, part of Exact Sciences
Classification: Likely benign for GRIA4-related condition. Last evaluated: 2026-05-22. Review status: criteria provided, single submitter. Criteria: ACMG Guidelines, 2015. Collection method: clinical testing. Allele origin: germline.
Comment: This variant is classified as likely benign based on ACMG/AMP sequence variant interpretation guidelines (Richards et al. 2015 PMID: 25741868, with internal and published modifications).

CeGaT Center for Human Genetics Tuebingen
Classification: Likely benign. Last evaluated: 2026-03-01. Review status: criteria provided, single submitter. Criteria: CeGaT Center For Human Genetics Tuebingen Variant Classification Criteria Version 2. Collection method: clinical testing. Allele origin: germline. Affected: yes. Observed: 24 variant alleles.
Comment: GRIA4: BP4, BP7

Blueprint Genetics
Classification: Likely benign. Last evaluated: 2024-11-26. Review status: criteria provided, single submitter. Criteria: ACMG Guidelines, 2015. Collection method: clinical testing. Allele origin: germline.

Dr. Peter K. Rogan Lab, Western University
No classification provided (evidence only). Condition: Colon adenocarcinoma. Review status: no classification provided. Collection method: in vitro. Allele origin: not applicable. Functional consequence: retained intron. Not counted in ClinVar's aggregate classification.

Dr. Peter K. Rogan Lab, Western University
No classification provided (evidence only). Condition: Thyroid cancer, nonmedullary, 1. Review status: no classification provided. Collection method: in vitro. Allele origin: not applicable. Functional consequence: retained intron. Not counted in ClinVar's aggregate classification.

Dr. Peter K. Rogan Lab, Western University
No classification provided (evidence only). Condition: Clear cell carcinoma of kidney. Review status: no classification provided. Collection method: in vitro. Allele origin: not applicable. Functional consequence: retained intron. Not counted in ClinVar's aggregate classification.